The following is an entry in ClinVar:

ClinVar aggregate classification (germline): Likely pathogenic (1 of 4 stars; one submission).

Conditions:
Intellectual developmental disorder, autosomal dominant 45. Also called: MENTAL RETARDATION, AUTOSOMAL DOMINANT 45; Intellectual disability, autosomal dominant 45. Identifiers: MedGen C4539848, MONDO:0030910, OMIM 617600.

Submission:

Clinical Biomedical Laboratory, Shriners Hospital For Children - Canada
Classification: Likely pathogenic for Intellectual developmental disorder, autosomal dominant 45. Review status: criteria provided, single submitter. Criteria: ACMG Guidelines, 2015. Collection method: clinical testing. Allele origin: germline. Affected: yes.
Comment: This variant is predicted to substitute a tyrosine residue by a stop codon. This is expected to lead to degradation of the affected transcript and loss of function of the affected allele. Loss of function variants in CIC are associated with autosomal dominant intellectual developmental disorder 45, which has significant overlap with the reported phenotype of the proband. This variant is absent from the Genome Aggregation Database (v2.1.1.), indicating it is very rare. A variant leading to a stop codon at the same position in CIC (c.6897C>A, p.Tyr2299Ter) has been submitted to ClinVar as pathogenic (Variation ID: 3375795). This variant has been reported in the literature (PMID 30792901). Based on the ACMG variant interpretation guidelines (criteria: PVS1, PM2, PP3), the available evidence supports classification of this variant as likely pathogenic.

NM_001386298.1(CIC):c.6896dup (p.Tyr2299Ter)

Gene: CIC (capicua transcriptional repressor; plus strand). Cytogenetic location: 19q13.2.
Variant type: Duplication.
Coding change: c.6896dup on transcript NM_001386298.1 (MANE Select); coding-DNA position 6896, one base duplicated (A; older notation c.6896dupA).
Protein change: p.Tyr2299Ter; replaces tyrosine 2299 with a stop codon.
Molecular consequence: nonsense.
Genome position (GRCh38, 1-based): chr19:42,294,063, A duplicated. VCF-style (leftmost placement, unchanged base first): chr19-42294062-T-TA. GRCh37 (hg19) VCF-style: chr19-42798214-T-TA.
Other names: c.6896dup, p.Tyr2299Ter (NM_001304815.2, NM_001439186.1); c.6893dup, p.Tyr2298Ter (NM_001379480.1, NM_001379482.1, NM_001439183.1 and 1 more transcripts); c.4169dup, p.Tyr1390Ter (NM_001379484.1, NM_015125.5); c.4166dup, p.Tyr1389Ter (NM_001379485.1, NM_001439189.1, NM_001439190.1); c.6890dup, p.Tyr2297Ter (NM_001439184.1, NM_001439185.1, NM_001439188.1); c.4163dup, p.Tyr1388Ter (NM_001439191.1); short protein forms Y1388*, Y1389*, Y1390*, Y2297*, Y2298*, Y2299*.
Identifiers: ClinVar variation 4819361 (VCV004819361.1).